The following is an entry in ClinVar:

NM_002303.6(LEPR):c.2969T>C (p.Ile990Thr)

Gene: LEPR (leptin receptor; plus strand). Cytogenetic location: 1p31.3.
Variant type: single nucleotide variant.
Coding change: c.2969T>C on transcript NM_002303.6 (MANE Select); coding-DNA position 2969, T replaced by C.
Protein change: p.Ile990Thr; replaces isoleucine 990 with threonine.
Molecular consequence: missense variant.
Genome position (GRCh38, 1-based): chr1:65,636,486, T>C. VCF-style: chr1-65636486-T-C. GRCh37 (hg19) VCF-style: chr1-66102169-T-C.
Other names: short protein forms I990T.
Identifiers: ClinVar variation 3054563 (VCV003054563.3), dbSNP rs913721975, ClinGen allele CA23931441.
Genomic context (GRCh38, chr1:65,636,486, plus strand): 5'-CTGAGGTAACCTATGAGGACGAAAGCCAGAGACAACCCTTTGTTAAATACGCCACGCTGA[T>C]CAGCAACTCTAAACCAAGTGAAACTGGTGAAGAACAAGGGCTTATAAATAGTTCAGTCAC-3'
Protein context (NP_002294.2, residues 980-1000): RQPFVKYATL[Ile990Thr]SNSKPSETGE

ClinVar aggregate classification (germline): Uncertain significance. Review status: criteria provided, single submitter (1 of 4 stars). 2 submissions from 2 submitters: Uncertain significance (1). 1 of the submissions does not count toward it. Last evaluated 2025-05-05.

Conditions:
LEPR-related disorder. Also called: LEPR-related disorders; LEPR-related condition.
Inborn genetic diseases. Identifiers: MedGen C0950123, MeSH D030342.

Allele frequency attached by ClinVar (database versions not stated): gnomAD 0.00001; TOPMed 0.00003; gnomAD exomes 0.00011.
gnomAD v4.1: 152 of 1,613,980 alleles (0.0094%); highest among the groups gnomAD compares: Non-Finnish European, 0.013%; no homozygotes.

Submissions (2):

Ambry Genetics
Classification: Uncertain significance for Inborn genetic diseases. Last evaluated: 2025-05-05. Review status: criteria provided, single submitter. Criteria: Ambry Variant Classification Scheme 2023. Collection method: clinical testing. Allele origin: germline.

PreventionGenetics, part of Exact Sciences
Classification: Uncertain significance for LEPR-related condition. Last evaluated: 2024-03-13. Review status: no assertion criteria provided. Collection method: clinical testing. Allele origin: germline. Not counted in ClinVar's aggregate classification.
Comment: The LEPR c.2969T>C variant is predicted to result in the amino acid substitution p.Ile990Thr. To our knowledge, this variant has not been reported in the literature. This variant is reported in 0.0023% of alleles in individuals of European (Non-Finnish) descent in gnomAD. At this time, the clinical significance of this variant is uncertain due to the absence of conclusive functional and genetic evidence.